The following is an entry in ClinVar:

ClinVar aggregate classification (germline): Uncertain significance (1 of 4 stars; one submission).

Conditions:
Epileptic encephalopathy. Identifiers: MedGen C0543888, HP:0200134.

Submission:

Labcorp Genetics (formerly Invitae), Labcorp
Classification: Uncertain significance for Epileptic encephalopathy. Last evaluated: 2020-02-02. Review status: criteria provided, single submitter. Criteria: Invitae Variant Classification Sherloc (09022015). Collection method: clinical testing. Allele origin: germline.
Comment: In summary, the available evidence is currently insufficient to determine the role of this variant in disease. Therefore, it has been classified as a Variant of Uncertain Significance. Algorithms developed to predict the effect of missense changes on protein structure and function are either unavailable or do not agree on the potential impact of this missense change (SIFT: "Deleterious"; PolyPhen-2: "Possibly Damaging"; Align-GVGD: "Class C0"). This variant has not been reported in the literature in individuals with RYR3-related disease. This variant is not present in population databases (ExAC no frequency). This sequence change replaces aspartic acid with glutamic acid at codon 3749 of the RYR3 protein (p.Asp3749Glu). The aspartic acid residue is highly conserved and there is a small physicochemical difference between aspartic acid and glutamic acid.

NM_001036.6(RYR3):c.11247C>G (p.Asp3749Glu)

Gene: RYR3 (ryanodine receptor 3; plus strand). Cytogenetic location: 15q14.
Variant type: single nucleotide variant.
Coding change: c.11247C>G on transcript NM_001036.6 (MANE Select); coding-DNA position 11247, C replaced by G.
Protein change: p.Asp3749Glu; replaces aspartic acid 3749 with glutamic acid.
Molecular consequence: missense variant.
Genome position (GRCh38, 1-based): chr15:33,827,200, C>G. VCF-style: chr15-33827200-C-G. GRCh37 (hg19) VCF-style: chr15-34119401-C-G.
Other names: c.11232C>G, p.Asp3744Glu (NM_001243996.4); short protein forms D3749E, D3744E.
Identifiers: ClinVar variation 663674 (VCV000663674.8), dbSNP rs1596844876, ClinGen allele CA391589212.